The following is an entry in ClinVar:

ClinVar aggregate classification (germline): Uncertain significance. Review status: criteria provided, multiple submitters, no conflicts (2 of 4 stars). 2 submissions from 2 submitters: Uncertain significance (2). Last evaluated 2023-05-22.

Conditions:
Epidermodysplasia verruciformis. Identifiers: Orphanet 302, MedGen C0014522, MONDO:0009176.

Allele frequency attached by ClinVar (database versions not stated): gnomAD 0.00001; gnomAD exomes 0.00001; ExAC 0.00002; TOPMed 0.00003.

Submissions (2):

Labcorp Genetics (formerly Invitae), Labcorp
Classification: Uncertain significance for Epidermodysplasia verruciformis. Last evaluated: 2023-05-22. Review status: criteria provided, single submitter. Criteria: Invitae Variant Classification Sherloc (09022015). Collection method: clinical testing. Allele origin: germline.
Comment: This sequence change replaces serine, which is neutral and polar, with leucine, which is neutral and non-polar, at codon 456 of the TMC6 protein (p.Ser456Leu). This variant is present in population databases (rs747645323, gnomAD 0.004%). This variant has not been reported in the literature in individuals affected with TMC6-related conditions. ClinVar contains an entry for this variant (Variation ID: 2069633). An algorithm developed to predict the effect of missense changes on protein structure and function (PolyPhen-2) suggests that this variant¬† is likely to be tolerated. In summary, the available evidence is currently insufficient to determine the role of this variant in disease. Therefore, it has been classified as a Variant of Uncertain Significance.

Blueprint Genetics
Classification: Uncertain significance. Last evaluated: 2018-11-30. Review status: criteria provided, single submitter. Criteria: ACMG Guidelines, 2015. Collection method: clinical testing. Allele origin: germline.

NM_001127198.5(TMC6):c.1367C>T (p.Ser456Leu)

Gene: TMC6 (transmembrane channel like 6; minus strand). Cytogenetic location: 17q25.3.
Variant type: single nucleotide variant.
Coding change: c.1367C>T on transcript NM_001127198.5 (MANE Select); coding-DNA position 1367, C replaced by T.
Protein change: p.Ser456Leu; replaces serine 456 with leucine.
Molecular consequence: missense variant. On other transcripts: non-coding transcript variant (4).
Genome position (GRCh38, 1-based): chr17:78,121,572, G>A on the plus strand (C>T on the coding strand, the complement: TMC6 is on the minus strand). VCF-style: chr17-78121572-G-A. GRCh37 (hg19) VCF-style: chr17-76117653-G-A.
Other names: c.1367C>T, p.Ser456Leu (NM_001321185.1, NM_001374593.1, NM_001374594.1 and 4 more transcripts); short protein forms S456L.
Identifiers: ClinVar variation 2069633 (VCV002069633.3), dbSNP rs747645323, ClinGen allele CA8795774.